The following is an entry in ClinVar:

NM_000426.4(LAMA2):c.7452-230C>T

Gene: LAMA2 (laminin subunit alpha 2; plus strand). Cytogenetic location: 6q22.33.
Variant type: single nucleotide variant.
Coding change: c.7452-230C>T on transcript NM_000426.4 (MANE Select); 230 bases into the intron before coding-DNA position 7452, C replaced by T.
Molecular consequence: intron variant.
Genome position (GRCh38, 1-based): chr6:129,478,463, C>T. VCF-style: chr6-129478463-C-T. GRCh37 (hg19) VCF-style: chr6-129799608-C-T.
Other names: c.7440-230C>T (NM_001079823.2).
Identifiers: ClinVar variation 682930 (VCV000682930.1), dbSNP rs2784894, ClinGen allele CA146903123.
Genomic context (GRCh38, chr6:129,478,463, plus strand): 5'-TCAATAAGAAGTCAGTTAATTCCTGTACCTCATGTTTAAATGCTGTGGGTGAGATTATTG[C>T]TAAAGGGGAGAAGGACTACAAAAAGACTCCTTCTGCAGGATAACATGAACATCCATTTAG-3'

ClinVar aggregate classification (germline): Benign (1 of 4 stars; one submission).

Allele frequency attached by ClinVar (database versions not stated): 1000 Genomes Project 30x 0.62227; 1000 Genomes Project 0.62660; TOPMed 0.65817; gnomAD 0.65849 and 0.65850.
gnomAD v4.1: 100,194 of 151,856 alleles (66%); highest among the groups gnomAD compares: Non-Finnish European, 72%; 33,524 homozygotes.

Submission:

GeneDx
Classification: Benign. Last evaluated: 2018-06-14. Review status: criteria provided, single submitter. Criteria: GeneDx Variant Classification (06012015). Collection method: clinical testing. Allele origin: germline. Affected: yes.
Comment: This variant is considered likely benign or benign based on one or more of the following criteria: it is a conservative change, it occurs at a poorly conserved position in the protein, it is predicted to be benign by multiple in silico algorithms, and/or has population frequency not consistent with disease.